The following is an entry in ClinVar:

ClinVar aggregate classification (germline): Uncertain significance (1 of 4 stars; one submission).

Allele frequency attached by ClinVar (database versions not stated): gnomAD 0.00001; gnomAD exomes 0.00001; ExAC 0.00008.
gnomAD v4.1: 9 of 1,535,988 alleles (0.00059%); highest among the groups gnomAD compares: South Asian, 0.011%; no homozygotes.

Submission:

Labcorp Genetics (formerly Invitae), Labcorp
Classification: Uncertain significance. Last evaluated: 2024-10-25. Review status: criteria provided, single submitter. Criteria: Invitae Variant Classification Sherloc (09022015). Collection method: clinical testing. Allele origin: germline.
Comment: This sequence change replaces proline, which is neutral and non-polar, with leucine, which is neutral and non-polar, at codon 815 of the PDZD7 protein (p.Pro815Leu). This variant is present in population databases (rs773325280, gnomAD 0.004%). This variant has not been reported in the literature in individuals affected with PDZD7-related conditions. ClinVar contains an entry for this variant (Variation ID: 1390860). Invitae Evidence Modeling of protein sequence and biophysical properties (such as structural, functional, and spatial information, amino acid conservation, physicochemical variation, residue mobility, and thermodynamic stability) indicates that this missense variant is not expected to disrupt PDZD7 protein function with a negative predictive value of 80%. In summary, the available evidence is currently insufficient to determine the role of this variant in disease. Therefore, it has been classified as a Variant of Uncertain Significance.

NM_001195263.2(PDZD7):c.2444C>T (p.Pro815Leu)

Gene: PDZD7 (PDZ domain containing 7; minus strand). Cytogenetic location: 10q24.31.
Variant type: single nucleotide variant.
Coding change: c.2444C>T on transcript NM_001195263.2 (MANE Select); coding-DNA position 2444, C replaced by T.
Protein change: p.Pro815Leu; replaces proline 815 with leucine.
Molecular consequence: missense variant.
Genome position (GRCh38, 1-based): chr10:101,010,445, G>A on the plus strand (C>T on the coding strand, the complement: PDZD7 is on the minus strand). VCF-style: chr10-101010445-G-A. GRCh37 (hg19) VCF-style: chr10-102770202-G-A.
Other names: short protein forms P815L.
Identifiers: ClinVar variation 1390860 (VCV001390860.8), dbSNP rs773325280, ClinGen allele CA5653969.